The following is an entry in ClinVar:

ClinVar aggregate classification (germline): Benign/Likely benign. Review status: criteria provided, multiple submitters, no conflicts (2 of 4 stars). 5 submissions from 5 submitters: Benign (1); Likely benign (4). Last evaluated 2026-05-15.

Conditions:
Hereditary cancer-predisposing syndrome. Also called: Hereditary Cancer Syndrome; Neoplastic Syndromes, Hereditary; Hereditary neoplastic syndrome; Tumor predisposition. Identifiers: Orphanet 140162, MedGen C0027672, MeSH D009386, MONDO:0015356.
Neurofibromatosis, type 1 (NF1). Also called: VON RECKLINGHAUSEN DISEASE; NEUROFIBROMATOSIS, TYPE I, SOMATIC; Neurofibromatosis, type I; Peripheral type neurofibromatosis. Identifiers: Orphanet 636, MedGen C0027831, MONDO:0018975, OMIM 162200. Disease mechanism: loss of function.

Submissions (5):

Myriad Genetics, Inc.
Classification: Benign for Neurofibromatosis, type 1. Last evaluated: 2026-05-15. Review status: criteria provided, single submitter. Criteria: Myriad Autosomal Dominant, Autosomal Recessive and X-Linked Classification Criteria (2023). Collection method: clinical testing. Allele origin: unknown.
Comment: This variant is considered benign. This variant is a silent/synonymous amino acid change and it is not expected to impact splicing.

Labcorp Genetics (formerly Invitae), Labcorp
Classification: Likely benign for Neurofibromatosis, type 1. Last evaluated: 2025-11-16. Review status: criteria provided, single submitter. Criteria: Invitae Variant Classification Sherloc (09022015). Collection method: clinical testing. Allele origin: germline.

Genome-Nilou Lab
Classification: Likely benign for Neurofibromatosis, type 1. Last evaluated: 2022-03-15. Review status: criteria provided, single submitter. Criteria: ACMG Guidelines, 2015. Collection method: clinical testing. Allele origin: germline. Affected: no.

GeneDx
Classification: Likely benign. Last evaluated: 2018-03-06. Review status: criteria provided, single submitter. Criteria: GeneDx Variant Classification (06012015). Collection method: clinical testing. Allele origin: germline. Affected: yes.
Comment: This variant is considered likely benign or benign based on one or more of the following criteria: it is a conservative change, it occurs at a poorly conserved position in the protein, it is predicted to be benign by multiple in silico algorithms, and/or has population frequency not consistent with disease.

Ambry Genetics
Classification: Likely benign for Hereditary cancer-predisposing syndrome. Last evaluated: 2016-03-08. Review status: criteria provided, single submitter. Criteria: Ambry Autosomal Dominant and X-Linked criteria (10/2015). Collection method: clinical testing. Allele origin: germline. Observed: 1 variant allele.
Comment: Synonymous alterations with insufficient evidence to classify as benign

NM_001042492.3(NF1):c.1554C>A (p.Thr518=)

Gene: NF1 (neurofibromin 1; plus strand). Cytogenetic location: 17q11.2.
Variant type: single nucleotide variant.
Coding change: c.1554C>A on transcript NM_001042492.3 (MANE Select); coding-DNA position 1554, C replaced by A.
Protein change: p.Thr518=; no amino-acid change (threonine 518 retained).
Molecular consequence: synonymous variant.
Genome position (GRCh38, 1-based): chr17:31,219,031, C>A. VCF-style: chr17-31219031-C-A. GRCh37 (hg19) VCF-style: chr17-29546049-C-A.
Other names: c.1554C>A, p.Thr518= (NM_000267.4, NM_001128147.3).
Identifiers: ClinVar variation 412968 (VCV000412968.14), dbSNP rs876660849, ClinGen allele CA16615164.